The following is an entry in ClinVar:

ClinVar aggregate classification (germline): Likely benign. Review status: criteria provided, multiple submitters, no conflicts (2 of 4 stars). 3 submissions from 3 submitters: Likely benign (2). 1 of the submissions does not count toward it. Last evaluated 2026-09-01.

Conditions:
AFF4-related disorder. Also called: AFF4-related condition.
Cognitive impairment - coarse facies - heart defects - obesity - pulmonary involvement - short stature - skeletal dysplasia syndrome. Also called: COGNITIVE IMPAIRMENT, COARSE FACIES, HEART DEFECTS, OBESITY, PULMONARY INVOLVEMENT, SHORT STATURE, AND SKELETAL DYSPLASIA; Chops syndrome; AFF4-Related CHOPS Syndrome. Identifiers: Orphanet 444077, MedGen C4085597, MONDO:0014609, OMIM 616368.

Allele frequency attached by ClinVar (database versions not stated): ESP Exome Variant Server 0.00008; 1000 Genomes Project 30x 0.00016; TOPMed 0.00016; 1000 Genomes Project 0.00020; gnomAD 0.00022; ExAC 0.00027; gnomAD exomes 0.00027.
gnomAD v4.1: 209 of 1,614,134 alleles (0.013%); highest among the groups gnomAD compares: Admixed American, 0.057%; no homozygotes.

Submissions (3):

CeGaT Center for Human Genetics Tuebingen
Classification: Likely benign. Last evaluated: 2026-09-01. Review status: criteria provided, single submitter. Criteria: CeGaT Center For Human Genetics Tuebingen Variant Classification Criteria Version 2. Collection method: clinical testing. Allele origin: germline. Affected: yes. Observed: 2 variant alleles.
Comment: AFF4: BP4, BS1

Labcorp Genetics (formerly Invitae), Labcorp
Classification: Likely benign for Cognitive impairment - coarse facies - heart defects - obesity - pulmonary involvement - short stature - skeletal dysplasia syndrome. Last evaluated: 2025-05-18. Review status: criteria provided, single submitter. Criteria: Invitae Variant Classification Sherloc (09022015). Collection method: clinical testing. Allele origin: germline.

PreventionGenetics, part of Exact Sciences
Classification: Likely benign for AFF4-related condition. Last evaluated: 2022-06-27. Review status: no assertion criteria provided. Collection method: clinical testing. Allele origin: germline. Not counted in ClinVar's aggregate classification.
Comment: This variant is classified as likely benign based on ACMG/AMP sequence variant interpretation guidelines (Richards et al. 2015 PMID: 25741868, with internal and published modifications).

NM_014423.4(AFF4):c.472A>C (p.Asn158His)

Gene: AFF4 (ALF transcription elongation factor 4; minus strand). Cytogenetic location: 5q31.1.
Variant type: single nucleotide variant.
Coding change: c.472A>C on transcript NM_014423.4 (MANE Select); coding-DNA position 472, A replaced by C.
Protein change: p.Asn158His; replaces asparagine 158 with histidine.
Molecular consequence: missense variant.
Genome position (GRCh38, 1-based): chr5:132,934,593, T>G on the plus strand (A>C on the coding strand, the complement: AFF4 is on the minus strand). VCF-style: chr5-132934593-T-G. GRCh37 (hg19) VCF-style: chr5-132270285-T-G.
Other names: short protein forms N158H.
Identifiers: ClinVar variation 783148 (VCV000783148.16), dbSNP rs147286490, ClinGen allele CA3409426.